The following is an entry in ClinVar:

NM_138289.4(ACTRT1):c.875A>G (p.Asn292Ser)

Gene: ACTRT1 (actin related protein T1; minus strand). Cytogenetic location: Xq25.
Variant type: single nucleotide variant.
Coding change: c.875A>G on transcript NM_138289.4 (MANE Select); coding-DNA position 875, A replaced by G.
Protein change: p.Asn292Ser; replaces asparagine 292 with serine.
Molecular consequence: missense variant.
Genome position (GRCh38, 1-based): chrX:128,051,332, T>C on the plus strand (A>G on the coding strand, the complement: ACTRT1 is on the minus strand). VCF-style: chrX-128051332-T-C. GRCh37 (hg19) VCF-style: chrX-127185311-T-C.
Other names: short protein forms N292S.
Identifiers: ClinVar variation 714567 (VCV000714567.5), dbSNP rs144040239, ClinGen allele CA10511213.
Genomic context (GRCh38, chrX:128,051,332, plus strand): 5'-TCCTCCAGCCCAGGGAGGAGAGTGGTGCCCCCGGAGAGTACAATGTCTGCATAAAGTTTA[T>C]TCTGGATGTCAGTGTCACACTTCATGATGCTGCTGGAGACCATTTTTGAGAGTCCTGGGC-3'
Protein context (NP_612146.1, residues 282-302): SIMKCDTDIQ[Asn292Ser]KLYADIVLSG

ClinVar aggregate classification (germline): Benign. Review status: criteria provided, single submitter (1 of 4 stars). 2 submissions from 2 submitters: Benign (1). 1 of the submissions does not count toward it. Last evaluated 2018-03-29.

Conditions:
ACTRT1-related disorder. Also called: ACTRT1-related condition.

Allele frequency attached by ClinVar (database versions not stated): ESP Exome Variant Server 0.00019; gnomAD 0.00067 and 0.00132; TOPMed 0.00122; gnomAD exomes 0.00181 and 0.00414; ExAC 0.00429; 1000 Genomes Project 30x 0.00937; 1000 Genomes Project 0.00980.
gnomAD v4.1: 2,165 of 1,207,846 alleles (0.18%); highest among the groups gnomAD compares: South Asian, 2.3%; 21 homozygotes.

Submissions (2):

Labcorp Genetics (formerly Invitae), Labcorp
Classification: Benign. Last evaluated: 2018-03-29. Review status: criteria provided, single submitter. Criteria: Invitae Variant Classification Sherloc (09022015). Collection method: clinical testing. Allele origin: germline.

PreventionGenetics, part of Exact Sciences
Classification: Benign for ACTRT1-related condition. Last evaluated: 2019-06-26. Review status: no assertion criteria provided. Collection method: clinical testing. Allele origin: germline. Not counted in ClinVar's aggregate classification.
Comment: This variant is classified as benign based on ACMG/AMP sequence variant interpretation guidelines (Richards et al. 2015 PMID: 25741868, with internal and published modifications).